The following is an entry in ClinVar:

NM_000171.4(GLRA1):c.184+2T>C

Gene: GLRA1 (glycine receptor alpha 1; minus strand). Cytogenetic location: 5q33.1.
Variant type: single nucleotide variant.
Coding change: c.184+2T>C on transcript NM_000171.4 (MANE Select); the canonical splice donor site of the intron after coding-DNA position 184, T replaced by C.
Molecular consequence: splice donor variant. On other transcripts: intron variant (1).
Genome position (GRCh38, 1-based): chr5:151,892,309, A>G on the plus strand (T>C on the coding strand, the complement: GLRA1 is on the minus strand). VCF-style: chr5-151892309-A-G. GRCh37 (hg19) VCF-style: chr5-151271870-A-G.
Other names: c.-65-5521T>C (NM_001292000.2); c.184+2T>C (NM_001146040.2).
Identifiers: ClinVar variation 948004 (VCV000948004.1), dbSNP rs1754097992, ClinGen allele CA361847830.

ClinVar aggregate classification (germline): Likely pathogenic (1 of 4 stars; one submission).

Conditions:
Hyperekplexia 1 (STHE). Also called: HYPEREKPLEXIA 1, AUTOSOMAL DOMINANT; HYPEREKPLEXIA 1, AUTOSOMAL RECESSIVE; STARTLE DISEASE, FAMILIAL; STIFF-BABY SYNDROME; STIFF-MAN SYNDROME, CONGENITAL; STIFF-PERSON SYNDROME, CONGENITAL. Identifiers: Orphanet 3197, MedGen C4551954, MONDO:0007868, OMIM 149400.

Allele frequency attached by ClinVar (database versions not stated): TOPMed below 0.00001; gnomAD 0.00001.
gnomAD v4.1: 1 of 1,613,528 alleles (0.000062%); highest among the groups gnomAD compares: African/African-American, 0.0013%; no homozygotes.

Submission:

Labcorp Genetics (formerly Invitae), Labcorp
Classification: Likely pathogenic for Hereditary hyperekplexia. Last evaluated: 2019-07-18. Review status: criteria provided, single submitter. Criteria: Invitae Variant Classification Sherloc (09022015). Collection method: clinical testing. Allele origin: germline.
Comment: This sequence change affects a donor splice site in intron 2 of the GLRA1 gene. It is expected to disrupt RNA splicing and likely results in an absent or disrupted protein product. This variant is not present in population databases (ExAC no frequency). Algorithms developed to predict the effect of sequence changes on RNA splicing suggest that this variant may disrupt the consensus splice site, but this prediction has not been confirmed by published transcriptional studies. Donor and acceptor splice site variants typically lead to a loss of protein function (PMID: 16199547), and loss-of-function variants in GLRA1 are known to be pathogenic (PMID: 20631190, 24108130). In summary, the currently available evidence indicates that the variant is pathogenic, but additional data are needed to prove that conclusively. Therefore, this variant has been classified as Likely Pathogenic.

Literature cited by the submitters: PubMed 20631190; PubMed 24108130.